The following is an entry in ClinVar:

ClinVar aggregate classification (germline): Uncertain significance. Review status: criteria provided, multiple submitters, no conflicts (2 of 4 stars). 2 submissions from 2 submitters: Uncertain significance (2). Last evaluated 2025-08-28.

Conditions:
Hypertrophic cardiomyopathy. Also called: HYPERTROPHIC MYOCARDIOPATHY. Identifiers: Orphanet 217569, MedGen C0007194, MeSH D002312, MONDO:0005045, HP:0001639.

Allele frequency attached by ClinVar (database versions not stated): gnomAD 0.00001; gnomAD exomes below 0.00001; ExAC 0.00001.

Submissions (2):

Labcorp Genetics (formerly Invitae), Labcorp
Classification: Uncertain significance for Hypertrophic cardiomyopathy. Last evaluated: 2025-08-28. Review status: criteria provided, single submitter. Criteria: Invitae Variant Classification Sherloc (09022015). Collection method: clinical testing. Allele origin: germline.
Comment: This sequence change replaces methionine, which is neutral and non-polar, with valine, which is neutral and non-polar, at codon 155 of the TNNI3 protein (p.Met155Val). The frequency data for this variant in the population databases is considered unreliable, as metrics indicate poor data quality at this position in the gnomAD database. This variant has not been reported in the literature in individuals affected with TNNI3-related conditions. ClinVar contains an entry for this variant (Variation ID: 181583). An algorithm developed to predict the effect of missense changes on protein structure and function (PolyPhen-2) suggests that this variant is likely to be disruptive. In summary, the available evidence is currently insufficient to determine the role of this variant in disease. Therefore, it has been classified as a Variant of Uncertain Significance.

GeneDx
Classification: Uncertain significance. Last evaluated: 2014-08-18. Review status: criteria provided, single submitter. Criteria: GeneDx Variant Classification (06012015). Collection method: clinical testing. Allele origin: germline. Affected: yes.
Comment: A M155V variant of unknown significance was identified in the TNNI3 gene. It has not been published as a mutation, nor has it been reported as a benign polymorphism to our knowledge. The M155V variant was not observed in approximately 6,100 individuals of European and African American ancestry in the NHLBI Exome Sequencing Project, indicating it is not a common benign variant in these populations. This substitution occurs at a position that is conserved across species. In silico analysis predicts this variant is probably damaging to the protein structure/function. Furthermore, mutations in nearby residues (R145Q, S150C, A157V) have been reportedin association with HCM, supporting the functional importance of this region of the protein. Based on the currently available information, it is unclear whether this variant is a pathogenic mutation or a rare benign variant. The variant is found in DCM-CRDM panel(s).

NM_000363.5(TNNI3):c.463A>G (p.Met155Val)

Gene: TNNI3 (troponin I3, cardiac type; minus strand). Cytogenetic location: 19q13.42.
Variant type: single nucleotide variant.
Coding change: c.463A>G on transcript NM_000363.5 (MANE Select); coding-DNA position 463, A replaced by G.
Protein change: p.Met155Val; replaces methionine 155 with valine.
Molecular consequence: missense variant.
Genome position (GRCh38, 1-based): chr19:55,154,116, T>C on the plus strand (A>G on the coding strand, the complement: TNNI3 is on the minus strand). VCF-style: chr19-55154116-T-C. GRCh37 (hg19) VCF-style: chr19-55665484-T-C.
Other names: p.M155V:ATG>GTG; c.463A>G (LRG_432t1); short protein forms M155V.
Identifiers: ClinVar variation 181583 (VCV000181583.5), dbSNP rs730881074, ClinGen allele CA021709.